The following is an entry in ClinVar:

ClinVar aggregate classification (germline): Uncertain significance (1 of 4 stars; one submission).

Conditions:
Haddad syndrome (OHD). Also called: Ondine-Hirschsprung disease. Identifiers: Orphanet 99803, MedGen C1859049, MONDO:0020493.

Submission:

Labcorp Genetics (formerly Invitae), Labcorp
Classification: Uncertain significance for Haddad syndrome. Last evaluated: 2023-03-24. Review status: criteria provided, single submitter. Criteria: Invitae Variant Classification Sherloc (09022015). Collection method: clinical testing. Allele origin: germline.
Comment: This sequence change replaces glycine, which is neutral and non-polar, with valine, which is neutral and non-polar, at codon 214 of the PHOX2B protein (p.Gly214Val). This variant is not present in population databases (gnomAD no frequency). This variant has not been reported in the literature in individuals affected with PHOX2B-related conditions. Advanced modeling of protein sequence and biophysical properties (such as structural, functional, and spatial information, amino acid conservation, physicochemical variation, residue mobility, and thermodynamic stability) performed at Invitae indicates that this missense variant is not expected to disrupt PHOX2B protein function. In summary, the available evidence is currently insufficient to determine the role of this variant in disease. Therefore, it has been classified as a Variant of Uncertain Significance.

NM_003924.4(PHOX2B):c.641G>T (p.Gly214Val)

Gene: PHOX2B (paired like homeobox 2B; minus strand). Cytogenetic location: 4p13.
Variant type: single nucleotide variant.
Coding change: c.641G>T on transcript NM_003924.4 (MANE Select); coding-DNA position 641, G replaced by T.
Protein change: p.Gly214Val; replaces glycine 214 with valine.
Molecular consequence: missense variant.
Genome position (GRCh38, 1-based): chr4:41,746,111, C>A on the plus strand (G>T on the coding strand, the complement: PHOX2B is on the minus strand). VCF-style: chr4-41746111-C-A. GRCh37 (hg19) VCF-style: chr4-41748128-C-A.
Other names: short protein forms G214V.
Identifiers: ClinVar variation 2843237 (VCV002843237.3), dbSNP rs1733890084, ClinGen allele CA356737543.